The following is an entry in ClinVar:

ClinVar aggregate classification (germline): Pathogenic (1 of 4 stars; one submission).

Conditions:
Hereditary nonpolyposis colorectal neoplasms. Identifiers: MedGen C0009405, MeSH D003123.

Submission:

Labcorp Genetics (formerly Invitae), Labcorp
Classification: Pathogenic for Hereditary nonpolyposis colorectal neoplasms. Last evaluated: 2024-06-28. Review status: criteria provided, single submitter. Criteria: Invitae Variant Classification Sherloc (09022015). Collection method: clinical testing. Allele origin: germline.
Comment: This sequence change creates a premature translational stop signal (p.Gly467Argfs*13) in the MSH6 gene. It is expected to result in an absent or disrupted protein product. Loss-of-function variants in MSH6 are known to be pathogenic (PMID: 18269114, 24362816). This variant is not present in population databases (gnomAD no frequency). This variant has not been reported in the literature in individuals affected with MSH6-related conditions. For these reasons, this variant has been classified as Pathogenic.

Literature cited by the submitters: PubMed 18269114; PubMed 24362816.

NM_000179.3(MSH6):c.1398_1399insC (p.Gly467fs)

Gene: MSH6 (mutS homolog 6; plus strand). Cytogenetic location: 2p16.3.
Variant type: Insertion.
Coding change: c.1398_1399insC on transcript NM_000179.3 (MANE Select); coding-DNA positions 1398 to 1399, C inserted.
Protein change: p.Gly467fs; shifts the reading frame from glycine 467.
Molecular consequence: frameshift variant. On other transcripts: non-coding transcript variant (4), intron variant (1).
Genome position: GRCh38 VCF-style: chr2-47799381-T-TC. GRCh37 (hg19) VCF-style: chr2-48026520-T-TC.
Other names: c.1008_1009insC, p.Gly337fs (NM_001281492.2); c.492_493insC, p.Gly165fs (NM_001281493.2, NM_001281494.2, NM_001406811.1 and 6 more transcripts); c.1494_1495insC, p.Gly499fs (NM_001406795.1, NM_001406802.1); c.1398_1399insC, p.Gly467fs (NM_001406796.1, NM_001406798.1, NM_001406800.1 and 4 more transcripts); c.1101_1102insC, p.Gly368fs (NM_001406797.1, NM_001406801.1, NM_001406805.1 and 10 more transcripts); c.873_874insC, p.Gly292fs (NM_001406799.1, NM_001406806.1, NM_001406807.1); c.1320_1321insC, p.Gly441fs (NM_001406804.1); c.1404_1405insC, p.Gly469fs (NM_001406813.1); and 2 more; short protein forms G292fs, G368fs, G411fs, G441fs, G469fs, G165fs, G337fs, G467fs.
Identifiers: ClinVar variation 2758096 (VCV002758096.3), dbSNP rs2530607278, ClinGen allele CA2697548135.